The following is an entry in ClinVar:

ClinVar aggregate classification (germline): Benign/Likely benign. Review status: criteria provided, multiple submitters, no conflicts (2 of 4 stars). 3 submissions from 3 submitters: Benign (1); Likely benign (1). 1 of the submissions does not count toward it. Last evaluated 2022-03-17.

Conditions:
BCOR-related disorder. Also called: BCOR-related disorders; BCOR-related condition.

Allele frequency attached by ClinVar (database versions not stated): gnomAD exomes 0.00007 and 0.00025; ExAC 0.00028; TOPMed 0.00076; 1000 Genomes Project 0.00079; gnomAD 0.00081 and 0.00085; 1000 Genomes Project 30x 0.00083; ESP Exome Variant Server 0.00085.
gnomAD v4.1: 173 of 1,209,359 alleles (0.014%); highest among the groups gnomAD compares: African/African-American, 0.28%; no homozygotes.

Submissions (3):

Blueprint Genetics
Classification: Likely benign. Last evaluated: 2022-03-17. Review status: criteria provided, single submitter. Criteria: ACMG Guidelines, 2015. Collection method: clinical testing. Allele origin: germline.

Labcorp Genetics (formerly Invitae), Labcorp
Classification: Benign. Last evaluated: 2018-06-18. Review status: criteria provided, single submitter. Criteria: Invitae Variant Classification Sherloc (09022015). Collection method: clinical testing. Allele origin: germline.

PreventionGenetics, part of Exact Sciences
Classification: Likely benign for BCOR-related condition. Last evaluated: 2019-07-15. Review status: no assertion criteria provided. Collection method: clinical testing. Allele origin: germline. Not counted in ClinVar's aggregate classification.
Comment: This variant is classified as likely benign based on ACMG/AMP sequence variant interpretation guidelines (Richards et al. 2015 PMID: 25741868, with internal and published modifications).

NM_001123385.2(BCOR):c.2424T>C (p.Leu808=)

Gene: BCOR (BCL6 corepressor; minus strand). Cytogenetic location: Xp11.4.
Variant type: single nucleotide variant.
Coding change: c.2424T>C on transcript NM_001123385.2 (MANE Select); coding-DNA position 2424, T replaced by C.
Protein change: p.Leu808=; no amino-acid change (leucine 808 retained).
Molecular consequence: synonymous variant.
Genome position (GRCh38, 1-based): chrX:40,072,922, A>G on the plus strand (T>C on the coding strand, the complement: BCOR is on the minus strand). VCF-style: chrX-40072922-A-G. GRCh37 (hg19) VCF-style: chrX-39932175-A-G.
Other names: c.2424T>C, p.Leu808= (NM_001123383.2, NM_001123384.2, NM_017745.6).
Identifiers: ClinVar variation 760313 (VCV000760313.6), dbSNP rs142968718, ClinGen allele CA10386789.
Genomic context (GRCh38, chrX:40,072,922, plus strand): 5'-TGCTGCAAAGCTGGGTTTGGACACGTTTGTGTCAGTTTTAGCATCTGGTTCTTCTCGGAG[A>G]AGGTCTACGTAGACAAGCTTGTCGCTTTTGACAACAGTCTTCCCTTGATTCCAGTTGGGG-3'
Protein context (NP_001116857.1, residues 798-818): VKSDKLVYVD[Leu808=]LREEPDAKTD